The following is an entry in ClinVar:

NM_024422.6(DSC2):c.2646_2647insC (p.Phe883fs)

Gene: DSC2 (desmocollin 2; minus strand). Cytogenetic location: 18q12.1.
Variant type: Insertion.
Coding change: c.2646_2647insC on transcript NM_024422.6 (MANE Select); coding-DNA positions 2646 to 2647, C inserted.
Protein change: p.Phe883fs; shifts the reading frame from phenylalanine 883.
Molecular consequence: frameshift variant. On other transcripts: 3 prime UTR variant (2).
Genome position: GRCh38 VCF-style: chr18-31068074-A-AG. GRCh37 (hg19) VCF-style: chr18-28648040-A-AG.
Other names: c.2217_2218insC, p.Phe740fs (NM_001406506.1); c.*148_*149insC (NM_001406507.1, NM_004949.5); c.2646_2647insC (NM_024422.3); short protein forms F883fs, F740fs.
Identifiers: ClinVar variation 3647675 (VCV003647675.3).

ClinVar aggregate classification (germline): Uncertain significance. Review status: criteria provided, multiple submitters, no conflicts (2 of 4 stars). 2 submissions from 2 submitters: Uncertain significance (2). Last evaluated 2026-03-26.

Conditions:
Arrhythmogenic right ventricular dysplasia 11. Also called: ARRHYTHMOGENIC RIGHT VENTRICULAR DYSPLASIA, FAMILIAL, 11; Arrhythmogenic Right Ventricular Dysplasia/Cardiomyopathy11; Arrhythmogenic right ventricular dysplasia 11 with mild palmoplantar keratoderma and woolly hair. Identifiers: MedGen C1864850, MONDO:0012506, OMIM 610476.

Submissions (2):

GeneDx
Classification: Uncertain significance. Last evaluated: 2026-03-26. Review status: criteria provided, single submitter. Criteria: GeneDx Variant Classification Process June 2021. Collection method: clinical testing. Allele origin: germline.
Comment: Not observed at significant frequency in large population cohorts (gnomAD); Has not been previously published as pathogenic or benign to our knowledge; Frameshift variant predicted to result in abnormal protein length as the last 19 amino acid(s) are replaced with 3 different amino acid(s) with an unclear effect on protein function

Labcorp Genetics (formerly Invitae), Labcorp
Classification: Uncertain significance for Arrhythmogenic right ventricular dysplasia 11. Last evaluated: 2024-04-25. Review status: criteria provided, single submitter. Criteria: Invitae Variant Classification Sherloc (09022015). Collection method: clinical testing. Allele origin: germline.
Comment: This sequence change creates a premature translational stop signal (p.Phe883Leufs*4) in the DSC2 gene. While this is not anticipated to result in nonsense mediated decay, it is expected to disrupt the last 19 amino acid(s) of the DSC2 protein. This variant is not present in population databases (gnomAD no frequency). This variant has not been reported in the literature in individuals affected with DSC2-related conditions. Experimental studies and prediction algorithms are not available or were not evaluated, and the functional significance of this variant is currently unknown. In summary, the available evidence is currently insufficient to determine the role of this variant in disease. Therefore, it has been classified as a Variant of Uncertain Significance.